The following is an entry in ClinVar:

ClinVar aggregate classification (germline): Conflicting classifications of pathogenicity. Review status: criteria provided, conflicting classifications (1 of 4 stars). 6 submissions from 6 submitters: Uncertain significance (5); Likely benign (1). Last evaluated 2025-11-11.

Conditions:
Cardiovascular phenotype. Identifiers: MedGen CN230736.
Primary dilated cardiomyopathy (DCM). Also called: Dilated Cardiomyopathy. Identifiers: Orphanet 217604, MedGen C0007193, MeSH D002311, MONDO:0005021, HP:0001644. Inheritance: Various modes of inheritance.
Hypertrophic cardiomyopathy 26. Also called: Cardiomyopathy, familial hypertrophic, 26. Identifiers: Orphanet 75249, MedGen C4310749, MONDO:0014883, OMIM 617047.
Myofibrillar myopathy 5. Also called: Filaminopathy (type); FILAMINOPATHY, AUTOSOMAL DOMINANT. Identifiers: Orphanet 171445, MedGen C1836050, MONDO:0012289, OMIM 609524.
Distal myopathy with posterior leg and anterior hand involvement. Also called: WILLIAMS DISTAL MYOPATHY. Identifiers: Orphanet 63273, MedGen C3279722, MONDO:0013550, OMIM 614065.

Allele frequency attached by ClinVar (database versions not stated): TOPMed 0.00003; ESP Exome Variant Server 0.00008.
gnomAD v4.1: 17 of 1,613,720 alleles (0.0011%); highest among the groups gnomAD compares: African/African-American, 0.004%; no homozygotes.

Submissions (6):

Labcorp Genetics (formerly Invitae), Labcorp
Classification: Likely benign for Distal myopathy with posterior leg and anterior hand involvement; Myofibrillar myopathy 5; Hypertrophic cardiomyopathy 26. Last evaluated: 2025-11-11. Review status: criteria provided, single submitter. Criteria: Invitae Variant Classification Sherloc (09022015). Collection method: clinical testing. Allele origin: germline.

Women's Health and Genetics/Laboratory Corporation of America, LabCorp
Classification: Uncertain significance. Last evaluated: 2025-11-05. Review status: criteria provided, single submitter. Criteria: LabCorp Variant Classification Summary - May 2015. Collection method: clinical testing. Allele origin: germline.

CeGaT Center for Human Genetics Tuebingen
Classification: Uncertain significance. Last evaluated: 2025-01-01. Review status: criteria provided, single submitter. Criteria: CeGaT Center For Human Genetics Tuebingen Variant Classification Criteria Version 2. Collection method: clinical testing. Allele origin: germline. Affected: yes. Observed: 1 variant allele.

Ambry Genetics
Classification: Uncertain significance for Cardiovascular phenotype. Last evaluated: 2023-10-26. Review status: criteria provided, single submitter. Criteria: Ambry Variant Classification Scheme 2023. Collection method: clinical testing. Allele origin: germline.
Comment: The p.V1732M variant (also known as c.5194G>A), located in coding exon 30 of the FLNC gene, results from a G to A substitution at nucleotide position 5194. The valine at codon 1732 is replaced by methionine, an amino acid with highly similar properties. This amino acid position is highly conserved in available vertebrate species. In addition, the in silico prediction for this alteration is inconclusive. Since supporting evidence is limited at this time, the clinical significance of this alteration remains unclear.

New York Genome Center
Classification: Uncertain significance for Hypertrophic cardiomyopathy 26. Last evaluated: 2023-03-10. Review status: criteria provided, single submitter. Criteria: NYGC Assertion Criteria 2020. Collection method: clinical testing. Allele origin: germline. Observed: 1 heterozygote.
Comment: The c.5194G>A, p.(Val1732Met) variant identified in the FLNC gene is a missense variant predicted to substitute a Valine for Methionine at amino acid 1732/2762 (exon 30/48). This variant is found with low frequency in population databases (gnomADv2.1.1, gnomADv3.1.2, BRAVO-TOPMed,All of US; allele frequency: 3.07e-5, 0 homozygotes) suggesting it is not a common benign variant in the populations represented in those databases. The c.5194G>A,p.(Val1732Met) variant has been reported in ClinVar as both a Variant of Uncertain Significance and Likely Benign (VarID:643960), and to our current knowledge has not been reported in affected individuals in the literature. Given the lack of compelling evidence for its pathogenicity, the c.5194G>A, p.(Val1732Met) variant identified in the FLNC gene is reported as a Variant of Uncertain Significance.

Victorian Clinical Genetics Services, Murdoch Childrens Research Institute
Classification: Uncertain significance for Primary dilated cardiomyopathy. Last evaluated: 2022-06-24. Review status: criteria provided, single submitter. Criteria: ACMG Guidelines, 2015. Collection method: clinical testing. Allele origin: germline. Inheritance: Autosomal dominant inheritance. Affected: yes.
Comment: Based on the classification scheme VCGS_Germline_v1.3.4, this variant is classified as VUS-3B. Following criteria are met: 0103 - Loss of function and gain of function are known mechanisms of disease in this gene. Loss of function is the established mechanism of disease for variants in dilated cardiomyopathy (MONDO#0005021), FLNC-related, as well as hypertrophic cardiomyopathy, restrictive cardiomyopathy (MIM#617047) and myofibrillar myopathy (MIM#609524). Recently it has also been associated with arrhythmogenic right ventricular cardiomyopathy (ARVC; PMID: 31627847). In distal myopathy (MIM#614065), NMD-predicted variants cause a loss of function, however missense variants have been shown to result in a toxic gain of function (PMID: 32112656). (I) 0107 - This gene is associated with autosomal dominant disease. Variants located throughout the gene that are predicted to result in nonsense-mediated decay (NMD) are enriched in dilated cardiomyopathy, whereas missense variants in the ROD2 domain are enriched in hypertrophic cardiomyopathy and restrictive cardiomyopathy (MIM#617047). Additionally, myofibrillar myopathy (MIM#609524) is known to result from either missense variants in the ROD2 domain or truncating variants in the Ig-like domain 24, while missense variants in the actin-binding domain and NMD-predicted variants located in the Ig-like domain 15 and have been reported for distal myopathy (MIM#614065) (PMID: 32112656). (I) 0200 - Variant is predicted to result in a missense amino acid change from valine to methionine. (I) 0251 - This variant is heterozygous. (I) 0302 - Variant is present in gnomAD <0.001 for a dominant condition (v2: 4 heterozygotes, 0 homozygotes). (SP) 0309 - An alternative amino acid change at the same position has been observed in gnomAD (v2 and v3: 2 heterozygotes, 0 homozygotes). (I) 0502 - Missense variant with conflicting in silico predictions and uninformative conservation. (I) 0600 - Variant is located in the annotated filamin 15 domain within the ROD1 domain (UniProt and PMID: 32112656). (I) 0705 - No comparable missense variants have previous evidence for pathogenicity. (I) 0809 - Previous evidence of pathogenicity for this variant is inconclusive. It has been reported as VUS once in ClinVar. (I) 0905 - No published segregation evidence has been identified for this variant. (I) 1007 - No published functional evidence has been identified for this variant. (I) 1208 - Inheritance information for this variant is not currently available in this individual. (I) Legend: (SP) - Supporting pathogenic, (I) - Information, (SB) - Supporting benign

Literature cited by the submitters: PubMed 31627847 (cited by Victorian Clinical Genetics Services, Murdoch Childrens Research Institute); PubMed 32112656 (cited by Victorian Clinical Genetics Services, Murdoch Childrens Research Institute).

NM_001458.5(FLNC):c.5194G>A (p.Val1732Met)

Gene: FLNC (filamin C; plus strand). Cytogenetic location: 7q32.1.
Variant type: single nucleotide variant.
Coding change: c.5194G>A on transcript NM_001458.5 (MANE Select); coding-DNA position 5194, G replaced by A.
Protein change: p.Val1732Met; replaces valine 1732 with methionine.
Molecular consequence: missense variant.
Genome position (GRCh38, 1-based): chr7:128,849,573, G>A. VCF-style: chr7-128849573-G-A. GRCh37 (hg19) VCF-style: chr7-128489627-G-A.
Other names: c.5194G>A, p.Val1732Met (NM_001127487.2); short protein forms V1732M.
Identifiers: ClinVar variation 643960 (VCV000643960.28), dbSNP rs374848954, ClinGen allele CA4475578.